The following is an entry in ClinVar:

ClinVar aggregate classification (germline): Likely benign. Review status: criteria provided, multiple submitters, no conflicts (2 of 4 stars). 4 submissions from 4 submitters: Likely benign (4). Last evaluated 2024-09-11.

Conditions:
Ehlers-Danlos syndrome, type 4 (EDSVASC). Also called: Ehlers-Danlos Syndrome Type IV; Ehlers-Danlos syndrome vascular type; Ehlers Danlos syndrome, ecchymotic type; Ehlers Danlos syndrome, arterial type; Ehlers Danlos syndrome, Sack-Barabas type. Identifiers: Orphanet 286, MedGen C0268338, MONDO:0017314, OMIM 130050.
Familial thoracic aortic aneurysm and aortic dissection (TAAD). Also called: Thoracic aortic aneurysms and dissections. Identifiers: Orphanet 91387, MedGen C4707243, MONDO:0019625.

Allele frequency attached by ClinVar (database versions not stated): gnomAD exomes 0.00001.

Submissions (4):

Ambry Genetics
Classification: Likely benign for Familial thoracic aortic aneurysm and aortic dissection. Last evaluated: 2024-09-11. Review status: criteria provided, single submitter. Criteria: Ambry Variant Classification Scheme 2023. Collection method: clinical testing. Allele origin: germline.

Labcorp Genetics (formerly Invitae), Labcorp
Classification: Likely benign for Ehlers-Danlos syndrome, type 4. Last evaluated: 2024-08-24. Review status: criteria provided, single submitter. Criteria: Invitae Variant Classification Sherloc (09022015). Collection method: clinical testing. Allele origin: germline.

All of Us Research Program, National Institutes of Health
Classification: Likely benign for Ehlers-Danlos syndrome, type 4. Last evaluated: 2023-12-13. Review status: criteria provided, single submitter. Criteria: ACMG Guidelines, 2015. Collection method: clinical testing. Allele origin: germline. Inheritance: Autosomal dominant inheritance. Observed: 1 variant allele, 1 heterozygote.
Comment: This study involves interpretation of variants in research participants for the purpose of population health screening. Participant phenotype was not available at the time of variant classification. Additional details can be found in publication PMID: 35346344, PMCID: PMC8962531

Color Diagnostics, LLC DBA Color Health
Classification: Likely benign for Familial thoracic aortic aneurysm and aortic dissection. Last evaluated: 2020-01-15. Review status: criteria provided, single submitter. Criteria: ACMG Guidelines, 2015. Collection method: clinical testing. Allele origin: germline.

NM_000090.4(COL3A1):c.1545A>G (p.Ala515=)

Gene: COL3A1 (collagen type III alpha 1 chain; plus strand). Cytogenetic location: 2q32.2.
Variant type: single nucleotide variant.
Coding change: c.1545A>G on transcript NM_000090.4 (MANE Select); coding-DNA position 1545, A replaced by G.
Protein change: p.Ala515=; no amino-acid change (alanine 515 retained).
Molecular consequence: synonymous variant.
Genome position (GRCh38, 1-based): chr2:188,995,727, A>G. VCF-style: chr2-188995727-A-G. GRCh37 (hg19) VCF-style: chr2-189860453-A-G.
Identifiers: ClinVar variation 919249 (VCV000919249.13), dbSNP rs1250297410, ClinGen allele CA430309711.